The following is an entry in ClinVar:

NM_001042492.3(NF1):c.5068A>C (p.Thr1690Pro)

Gene: NF1 (neurofibromin 1; plus strand). Cytogenetic location: 17q11.2.
Variant type: single nucleotide variant.
Coding change: c.5068A>C on transcript NM_001042492.3 (MANE Select); coding-DNA position 5068, A replaced by C.
Protein change: p.Thr1690Pro; replaces threonine 1690 with proline.
Molecular consequence: missense variant.
Genome position (GRCh38, 1-based): chr17:31,326,052, A>C. VCF-style: chr17-31326052-A-C. GRCh37 (hg19) VCF-style: chr17-29653070-A-C.
Other names: c.5005A>C, p.Thr1669Pro (NM_000267.4); short protein forms T1669P, T1690P.
Identifiers: ClinVar variation 1016049 (VCV001016049.8), dbSNP rs2069332520, ClinGen allele CA399007441.
Genomic context (GRCh38, chr17:31,326,052, plus strand): 5'-GCTTACGACAACGTCTCCGCAGTCTATATCTATAACTGTAACTCCTGGGTCAGGGAGTAC[A>C]CCAAGTATCATGAGCGGCTGCTGACTGGCCTCAAAGGTAGCAAAAGGCTTGTTTTCATAG-3'
Protein context (NP_001035957.1, residues 1680-1700): YNCNSWVREY[Thr1690Pro]KYHERLLTGL

ClinVar aggregate classification (germline): Uncertain significance. Review status: criteria provided, multiple submitters, no conflicts (2 of 4 stars). 3 submissions from 3 submitters: Uncertain significance (3). Last evaluated 2022-03-15.

Conditions:
Neurofibromatosis, type 1 (NF1). Also called: VON RECKLINGHAUSEN DISEASE; Neurofibromatosis, type I; NEUROFIBROMATOSIS, TYPE I, SOMATIC; Peripheral type neurofibromatosis. Identifiers: Orphanet 636, MedGen C0027831, MONDO:0018975, OMIM 162200. Disease mechanism: loss of function.

Submissions (3):

Genome-Nilou Lab
Classification: Uncertain significance for Neurofibromatosis, type 1. Last evaluated: 2022-03-15. Review status: criteria provided, single submitter. Criteria: ACMG Guidelines, 2015. Collection method: clinical testing. Allele origin: germline. Affected: no.

Labcorp Genetics (formerly Invitae), Labcorp
Classification: Uncertain significance for Neurofibromatosis, type 1. Last evaluated: 2020-09-26. Review status: criteria provided, single submitter. Criteria: Invitae Variant Classification Sherloc (09022015). Collection method: clinical testing. Allele origin: germline.
Comment: In summary, the available evidence is currently insufficient to determine the role of this variant in disease. Therefore, it has been classified as a Variant of Uncertain Significance. Advanced modeling of protein sequence and biophysical properties (such as structural, functional, and spatial information, amino acid conservation, physicochemical variation, residue mobility, and thermodynamic stability) performed at Invitae indicates that this missense variant is expected to disrupt NF1 protein function. This variant has not been reported in the literature in individuals with NF1-related conditions. This variant is not present in population databases (ExAC no frequency). This sequence change replaces threonine with proline at codon 1669 of the NF1 protein (p.Thr1669Pro). The threonine residue is moderately conserved and there is a small physicochemical difference between threonine and proline.

GeneDx
Classification: Uncertain significance. Last evaluated: 2019-04-19. Review status: criteria provided, single submitter. Criteria: GeneDx Variant Classification Process June 2021. Collection method: clinical testing. Allele origin: germline. Affected: yes.
Comment: Not observed in large population cohorts (Lek et al., 2016); Has not been previously published as pathogenic or benign to our knowledge